The following is an entry in ClinVar:

ClinVar aggregate classification (germline): Likely pathogenic (1 of 4 stars; one submission).

Conditions:
Charcot-Marie-Tooth disease type 2. Also called: Charcot-Marie-Tooth type 2. Identifiers: Orphanet 64746, MedGen C0270914, MONDO:0018993.

Submission:

Labcorp Genetics (formerly Invitae), Labcorp
Classification: Likely pathogenic for Charcot-Marie-Tooth disease type 2. Last evaluated: 2024-12-05. Review status: criteria provided, single submitter. Criteria: Invitae Variant Classification Sherloc (09022015). Collection method: clinical testing. Allele origin: germline.
Comment: This variant results in the deletion of exon 4 (c.640-67_718del) of the LMNA gene. It is expected to disrupt RNA splicing. Variants that disrupt the donor or acceptor splice site typically lead to a loss of protein function (PMID: 16199547), and loss-of-function variants in LMNA are known to be pathogenic (PMID: 18585512, 18926329). This variant is not present in population databases (gnomAD no frequency). This variant has not been reported in the literature in individuals affected with LMNA-related conditions. In summary, the currently available evidence indicates that the variant is pathogenic, but additional data are needed to prove that conclusively. Therefore, this variant has been classified as Likely Pathogenic.

Literature cited by the submitters: PubMed 16199547; PubMed 18585512; PubMed 18926329.

NM_170707.4(LMNA):c.640-67_718del

Gene: LMNA (lamin A/C; plus strand). Cytogenetic location: 1q22.
Variant type: Deletion.
Coding change: c.640-67_718del on transcript NM_170707.4 (MANE Select); 67 bases into the intron before coding-DNA position 640 through coding-DNA position 718, 146 bases deleted.
Molecular consequence: splice acceptor variant. On other transcripts: initiator codon variant (4).
Genome position (GRCh38, 1-based): chr1:156,134,738-156,134,883, 146 bases deleted. GRCh37 (hg19): chr1:156,104,529-156,104,674.
Other names: c.640-67_718del (NM_001406983.1, NM_001282625.2, NM_001406984.1 and 6 more transcripts); c.82-67_160del (NM_001407002.1, NM_001406993.1, NM_001407003.1 and 4 more transcripts); c.-25-67_54del (NM_001406999.1, NM_001407000.1, NM_001406994.1 and 1 more transcripts); c.397-67_475del (NM_001406986.1, NM_001406987.1, NM_001282624.2); c.304-67_382del (NM_001406989.1, NM_001257374.3, NM_001406998.1); c.343-67_421del (NM_001406988.1).
Identifiers: ClinVar variation 3726729 (VCV003726729.2).